The following is an entry in ClinVar:

NM_004360.5(CDH1):c.832+1G>T

Gene: CDH1 (cadherin 1; plus strand). Cytogenetic location: 16q22.1.
Variant type: single nucleotide variant.
Coding change: c.832+1G>T on transcript NM_004360.5 (MANE Select); the canonical splice donor site of the intron after coding-DNA position 832, G replaced by T.
Molecular consequence: splice donor variant.
Genome position (GRCh38, 1-based): chr16:68,810,342, G>T. VCF-style: chr16-68810342-G-T. GRCh37 (hg19) VCF-style: chr16-68844245-G-T.
Other names: NM_004360.4(CDH1):c.832+1G>T; c.-784+1G>T (NM_001317185.2); c.-988+1G>T (NM_001317186.2); c.832+1G>T (NM_001317184.2).
Identifiers: ClinVar variation 239914 (VCV000239914.17), dbSNP rs878854697, ClinGen allele CA10583412.

ClinVar aggregate classification (germline): Pathogenic. Review status: reviewed by expert panel (3 of 4 stars). 5 submissions from 5 submitters: Pathogenic (1). 4 of the submissions do not count toward it. Last evaluated 2023-08-29.

Conditions:
CDH1-related diffuse gastric and lobular breast cancer syndrome. Also called: CDH1-related diffuse gastric and lobular breast cancer. Identifiers: MedGen CN311521, MONDO:0100488.
Hereditary cancer-predisposing syndrome. Also called: Neoplastic Syndromes, Hereditary; Tumor predisposition; Hereditary neoplastic syndrome; Hereditary Cancer Syndrome. Identifiers: Orphanet 140162, MedGen C0027672, MeSH D009386, MONDO:0015356.
Hereditary diffuse gastric adenocarcinoma (HDGC). Also called: DIFFUSE GASTRIC AND LOBULAR BREAST CANCER SYNDROME. Identifiers: Orphanet 26106, MedGen C1708349, MONDO:0007648, OMIM 137215.

Submissions (5):

Clingen Gastric Cancer Variant Curation Expert Panel
Classification: Pathogenic for CDH1-related diffuse gastric and lobular breast cancer syndrome. Last evaluated: 2023-08-29. Review status: reviewed by expert panel. Criteria: ClinGen CDH1 ACMG Specifications V3.1. Collection method: curation. Allele origin: germline. Inheritance: Autosomal dominant inheritance.
Comment: The c.832+G>T variant is a canonical splice variant predicted to result in a truncated or absent protein (PVS1_Strong, PM5_Supporting). The variant is present in <1/100,000 alleles in the gnomAD cohort. (PM2_Supporting). This variant has been reported in at least 4 families meeting HDGC clinical criteria (PS4; PMID: 23709761, 23124477, 26182300 and SCV000288497.3). In summary, this variant meets criteria to be classified as pathogenic based on the ACMG/AMP criteria applied as specified by the CDH1 Variant Curation Expert Panel (Variant Interpretation Guidelines Version 3.1): PVS1_Strong, PM2_Supporting, PS4, PM5_Supporting.

Myriad Genetics, Inc.
Classification: Likely pathogenic for Hereditary diffuse gastric adenocarcinoma. Last evaluated: 2023-06-12. Review status: criteria provided, single submitter. Criteria: Myriad Autosomal Dominant, Autosomal Recessive and X-Linked Classification Criteria (2023). Collection method: clinical testing. Allele origin: unknown. Not counted in ClinVar's aggregate classification.
Comment: This variant is considered likely pathogenic. This variant occurs within a consensus splice junction and is predicted to result in abnormal mRNA splicing of either an out-of-frame exon or an in-frame exon necessary for protein stability and/or normal function.

European Reference Network on Genetic Tumour Risk Syndromes (ERN-GENTURIS), i3s - Instituto de Investigação e Inovação em Saúde, University of Porto
Classification: Pathogenic for Hereditary diffuse gastric adenocarcinoma. Last evaluated: 2022-08-01. Review status: criteria provided, single submitter. Criteria: Lee et al. (Hum Mutat. 2018). Collection method: clinical testing. Allele origin: germline. Inheritance: Autosomal dominant inheritance. Affected: yes. Study: ERN GENTURIS. Not counted in ClinVar's aggregate classification.
Comment: PVS1_Strong; PS4; PM2 (PMID: 30311375)

Ambry Genetics
Classification: Pathogenic for Hereditary cancer-predisposing syndrome. Last evaluated: 2021-05-27. Review status: criteria provided, single submitter. Criteria: Ambry Variant Classification Scheme 2023. Collection method: clinical testing. Allele origin: germline. Not counted in ClinVar's aggregate classification.
Comment: The c.832+1G>T intronic pathogenic mutation results from a G to T substitution one nucleotide after coding exon 6 of the CDH1 gene. This alteration has been reported in several individuals with a personal and/or family history that meets the clinical criteria for a diagnosis of hereditary diffuse gastric cancer syndrome (Benusiglio PR et al. J Med Genet. 2013 Jul;50:486-9; Benusiglio PR et al. Int. J. Cancer. 2013 May;132:2470; Hansford S et al. JAMA Oncol. 2015 Apr;1:23-32; Ambry internal data). In addition to the clinical data presented in the literature, alterations that disrupt the canonical splice site are expected to cause aberrant splicing, resulting in an abnormal protein or a transcript that is subject to nonsense-mediated mRNA decay. As such, this alteration is classified as pathogenic.

Labcorp Genetics (formerly Invitae), Labcorp
Classification: Pathogenic for Hereditary diffuse gastric adenocarcinoma. Last evaluated: 2018-04-20. Review status: criteria provided, single submitter. Criteria: Invitae Variant Classification Sherloc (09022015). Collection method: clinical testing. Allele origin: germline. Not counted in ClinVar's aggregate classification.
Comment: For these reasons, this variant has been classified as Pathogenic. Donor and acceptor splice site variants typically lead to a loss of protein function (PMID: 16199547), and loss-of-function variants in CDH1 are known to be pathogenic (PMID: 15235021, 20373070). This variant has been reported in several individuals and families affected with diffuse gastric cancer (PMID: 23124477, 23709761, 26182300). ClinVar contains an entry for this variant (Variation ID: 239914). This variant is not present in population databases (ExAC no frequency). This sequence change affects a donor splice site in intron 6 of the CDH1 gene. It is expected to disrupt RNA splicing and likely results in an absent or disrupted protein product.

Literature cited by the submitters: PubMed 36436516 (cited by European Reference Network on Genetic Tumour Risk Syndromes (ERN-GENTURIS), i3s - Instituto de Investigação e Inovação em Saúde, University of Porto); PubMed 23124477 (cited by Ambry Genetics and Labcorp Genetics (formerly Invitae), Labcorp); PubMed 23709761 (cited by Ambry Genetics and Labcorp Genetics (formerly Invitae), Labcorp); PubMed 26182300 (cited by Ambry Genetics and Labcorp Genetics (formerly Invitae), Labcorp); PubMed 16199547 (cited by Labcorp Genetics (formerly Invitae), Labcorp); PubMed 15235021 (cited by Labcorp Genetics (formerly Invitae), Labcorp); PubMed 20373070 (cited by Labcorp Genetics (formerly Invitae), Labcorp).